The following is an entry in ClinVar:

ClinVar aggregate classification (germline): Uncertain significance (1 of 4 stars; one submission).

Conditions:
ALG6-congenital disorder of glycosylation 1C (CDG1C). Also called: CARBOHYDRATE-DEFICIENT GLYCOPROTEIN SYNDROME, TYPE I, WITH DEFICIENT GLYCOSYLATION OF DOLICHOL-LINKED OLIGOSACCHARIDE; CARBOHYDRATE-DEFICIENT GLYCOPROTEIN SYNDROME, TYPE V; Congenital disorder of glycosylation type 1C; Congenital disorder of glycosylation, type Ic; CDG Ic. Identifiers: Orphanet 79320, MedGen C2930997, MONDO:0011291, OMIM 603147.

Submission:

Labcorp Genetics (formerly Invitae), Labcorp
Classification: Uncertain significance for ALG6-congenital disorder of glycosylation 1C. Last evaluated: 2021-09-01. Review status: criteria provided, single submitter. Criteria: Invitae Variant Classification Sherloc (09022015). Collection method: clinical testing. Allele origin: germline.
Comment: This sequence change replaces methionine with leucine at codon 202 of the ALG6 protein (p.Met202Leu). The methionine residue is highly conserved and there is a small physicochemical difference between methionine and leucine. This variant is present in population databases (rs757012140, ExAC 0.001%). This variant has not been reported in the literature in individuals affected with ALG6-related conditions. Algorithms developed to predict the effect of missense changes on protein structure and function are either unavailable or do not agree on the potential impact of this missense change (SIFT: "Deleterious"; PolyPhen-2: "Probably Damaging"; Align-GVGD: "Class C0"). In summary, the available evidence is currently insufficient to determine the role of this variant in disease. Therefore, it has been classified as a Variant of Uncertain Significance.

NM_013339.4(ALG6):c.604A>T (p.Met202Leu)

Gene: ALG6 (ALG6 alpha-1,3-glucosyltransferase; plus strand). Cytogenetic location: 1p31.3.
Variant type: single nucleotide variant.
Coding change: c.604A>T on transcript NM_013339.4 (MANE Select); coding-DNA position 604, A replaced by T.
Protein change: p.Met202Leu; replaces methionine 202 with leucine.
Molecular consequence: missense variant.
Genome position (GRCh38, 1-based): chr1:63,411,255, A>T. VCF-style: chr1-63411255-A-T. GRCh37 (hg19) VCF-style: chr1-63876926-A-T.
Other names: short protein forms M202L.
Identifiers: ClinVar variation 1482115 (VCV001482115.5), dbSNP rs757012140, ClinGen allele CA888206.